The following is an entry in ClinVar:

NM_001098540.3(HPSE):c.1428T>G (p.Asp476Glu)

Gene: HPSE (heparanase; minus strand). Cytogenetic location: 4q21.23.
Variant type: single nucleotide variant.
Coding change: c.1428T>G on transcript NM_001098540.3 (MANE Select); coding-DNA position 1428, T replaced by G.
Protein change: p.Asp476Glu; replaces aspartic acid 476 with glutamic acid.
Molecular consequence: missense variant.
Genome position (GRCh38, 1-based): chr4:83,301,004, A>C on the plus strand (T>G on the coding strand, the complement: HPSE is on the minus strand). VCF-style: chr4-83301004-A-C. GRCh37 (hg19) VCF-style: chr4-84222157-A-C.
Other names: c.1206T>G, p.Asp402Glu (NM_001166498.3); c.1254T>G, p.Asp418Glu (NM_001199830.1); c.1428T>G, p.Asp476Glu (NM_006665.6); short protein forms D402E, D418E, D476E.
Identifiers: ClinVar variation 3045667 (VCV003045667.2), dbSNP rs145560091, ClinGen allele CA2988801.

ClinVar aggregate classification (germline): Likely benign (0 of 4 stars; one submission).

Conditions:
HPSE-related disorder. Also called: HPSE-related condition.

Allele frequency attached by ClinVar (database versions not stated): TOPMed 0.00074; gnomAD 0.00075; ExAC 0.00077; ESP Exome Variant Server 0.00131; gnomAD exomes 0.00140.
gnomAD v4.1: 2,131 of 1,609,760 alleles (0.13%); highest among the groups gnomAD compares: Non-Finnish European, 0.17%; 3 homozygotes.

Submission:

PreventionGenetics, part of Exact Sciences
Classification: Likely benign for HPSE-related condition. Last evaluated: 2022-09-20. Review status: no assertion criteria provided. Collection method: clinical testing. Allele origin: germline.
Comment: This variant is classified as likely benign based on ACMG/AMP sequence variant interpretation guidelines (Richards et al. 2015 PMID: 25741868, with internal and published modifications).